The following is an entry in ClinVar:

ClinVar aggregate classification (germline): Uncertain significance. Review status: criteria provided, multiple submitters, no conflicts (2 of 4 stars). 2 submissions from 2 submitters: Uncertain significance (2). Last evaluated 2025-08-05.

Conditions:
Inborn genetic diseases. Identifiers: MedGen C0950123, MeSH D030342.

Allele frequency attached by ClinVar (database versions not stated): gnomAD exomes below 0.00001; gnomAD 0.00001; TOPMed 0.00001.
gnomAD v4.1: 4 of 1,613,794 alleles (0.00025%); highest among the groups gnomAD compares: Non-Finnish European, 0.00034%; no homozygotes.

Submissions (2):

Ambry Genetics
Classification: Uncertain significance for Inborn genetic diseases. Last evaluated: 2025-08-05. Review status: criteria provided, single submitter. Criteria: Ambry Variant Classification Scheme 2023. Collection method: clinical testing. Allele origin: germline.

Labcorp Genetics (formerly Invitae), Labcorp
Classification: Uncertain significance. Last evaluated: 2021-08-31. Review status: criteria provided, single submitter. Criteria: Invitae Variant Classification Sherloc (09022015). Collection method: clinical testing. Allele origin: germline.
Comment: This sequence change replaces aspartic acid with histidine at codon 622 of the USH2A protein (p.Asp622His). The aspartic acid residue is highly conserved and there is a moderate physicochemical difference between aspartic acid and histidine. This variant is not present in population databases (ExAC no frequency). This variant has not been reported in the literature in individuals affected with USH2A-related conditions. Algorithms developed to predict the effect of missense changes on protein structure and function (SIFT, PolyPhen-2, Align-GVGD) all suggest that this variant is likely to be disruptive. In summary, the available evidence is currently insufficient to determine the role of this variant in disease. Therefore, it has been classified as a Variant of Uncertain Significance.

NM_206933.4(USH2A):c.1864G>C (p.Asp622His)

Gene: USH2A (usherin; minus strand). Cytogenetic location: 1q41.
Variant type: single nucleotide variant.
Coding change: c.1864G>C on transcript NM_206933.4 (MANE Select); coding-DNA position 1864, G replaced by C.
Protein change: p.Asp622His; replaces aspartic acid 622 with histidine.
Molecular consequence: missense variant.
Genome position (GRCh38, 1-based): chr1:216,289,387, C>G on the plus strand (G>C on the coding strand, the complement: USH2A is on the minus strand). VCF-style: chr1-216289387-C-G. GRCh37 (hg19) VCF-style: chr1-216462729-C-G.
Other names: c.1864G>C, p.Asp622His (NM_007123.6); c.1864G>C (NM_206933.2); short protein forms D622H.
Identifiers: ClinVar variation 1352919 (VCV001352919.6), dbSNP rs1399999249, ClinGen allele CA344902922.